The following is an entry in ClinVar:

NM_001378454.1(ALMS1):c.9956C>G (p.Thr3319Arg)

Gene: ALMS1 (ALMS1 centrosome and basal body associated protein; plus strand). Cytogenetic location: 2p13.1.
Variant type: single nucleotide variant.
Coding change: c.9956C>G on transcript NM_001378454.1 (MANE Select); coding-DNA position 9956, C replaced by G.
Protein change: p.Thr3319Arg; replaces threonine 3319 with arginine.
Molecular consequence: missense variant.
Genome position (GRCh38, 1-based): chr2:73,550,315, C>G. VCF-style: chr2-73550315-C-G. GRCh37 (hg19) VCF-style: chr2-73777442-C-G.
Other names: c.9959C>G, p.Thr3320Arg (NM_015120.4); short protein forms T3319R, T3320R.
Identifiers: ClinVar variation 3367336 (VCV003367336.1).
Genomic context (GRCh38, chr2:73,550,315, plus strand): 5'-GTTTTTCTGTAGGATCCAATGATGCCATTGCTCCAGACTTCCCAGCTCAGGTGCTAGGCA[C>G]AAGAGATGATGACCTCTCAGCCACTGTTAACATTAAACATAAAGAAGGAATCTACAGTAA-3'
Protein context (NP_001365383.1, residues 3309-3329): APDFPAQVLG[Thr3319Arg]RDDDLSATVN

ClinVar aggregate classification (germline): Uncertain significance (1 of 4 stars; one submission).

Submission:

GeneDx
Classification: Uncertain significance. Last evaluated: 2024-01-04. Review status: criteria provided, single submitter. Criteria: GeneDx Variant Classification Process June 2021. Collection method: clinical testing. Allele origin: germline. Affected: yes.
Comment: Not observed at significant frequency in large population cohorts (gnomAD); In silico analysis supports that this missense variant has a deleterious effect on protein structure/function; Has not been previously published as pathogenic or benign to our knowledge